The following is an entry in ClinVar:

ClinVar aggregate classification (germline): Uncertain significance (1 of 4 stars; one submission).

Conditions:
Congenital disorder of deglycosylation (CDDG). Identifiers: MedGen C3808991, MONDO:0031376.

gnomAD v4.1: 1 of 1,613,736 alleles (0.000062%); highest among the groups gnomAD compares: Non-Finnish European, 0.000085%; no homozygotes.

Submission:

Labcorp Genetics (formerly Invitae), Labcorp
Classification: Uncertain significance for Congenital disorder of deglycosylation. Last evaluated: 2019-07-15. Review status: criteria provided, single submitter. Criteria: Invitae Variant Classification Sherloc (09022015). Collection method: clinical testing. Allele origin: germline.
Comment: This sequence change replaces arginine with threonine at codon 570 of the NGLY1 protein (p.Arg570Thr). The arginine residue is moderately conserved and there is a moderate physicochemical difference between arginine and threonine. This variant is not present in population databases (ExAC no frequency). This variant has not been reported in the literature in individuals with NGLY1-related conditions. Algorithms developed to predict the effect of missense changes on protein structure and function (SIFT, PolyPhen-2, Align-GVGD) all suggest that this variant is likely to be tolerated, but these predictions have not been confirmed by published functional studies and their clinical significance is uncertain. In summary, the available evidence is currently insufficient to determine the role of this variant in disease. Therefore, it has been classified as a Variant of Uncertain Significance.

NM_018297.4(NGLY1):c.1709G>C (p.Arg570Thr)

Gene: NGLY1 (N-glycanase 1; minus strand). Cytogenetic location: 3p24.2.
Variant type: single nucleotide variant.
Coding change: c.1709G>C on transcript NM_018297.4 (MANE Select); coding-DNA position 1709, G replaced by C.
Protein change: p.Arg570Thr; replaces arginine 570 with threonine.
Molecular consequence: missense variant. On other transcripts: intron variant (1).
Genome position (GRCh38, 1-based): chr3:25,720,094, C>G on the plus strand (G>C on the coding strand, the complement: NGLY1 is on the minus strand). VCF-style: chr3-25720094-C-G. GRCh37 (hg19) VCF-style: chr3-25761585-C-G.
Other names: c.1655G>C, p.Arg552Thr (NM_001145293.2); c.1583G>C, p.Arg528Thr (NM_001145294.2); c.1612-459G>C (NM_001145295.2); short protein forms R552T, R570T, R528T.
Identifiers: ClinVar variation 944719 (VCV000944719.7), dbSNP rs1704906682, ClinGen allele CA351894117.
Genomic context (GRCh38, chr3:25,720,094, plus strand): 5'-GCTGTATCAGATCGCAATTTCCATTCTACTGTTCCAGTCTGAAAAGTTTGACTACTTGTT[C>G]TAATAGAAATGCTATCTACTTTTAGGCCAACTGACCCACACTCAAACTTCCAGGAAATAT-3'
Protein context (NP_060767.2, residues 560-580): VGLKVDSISI[Arg570Thr]TSSQTFQTGT